The following is an entry in ClinVar:

ClinVar aggregate classification (germline): Likely benign (0 of 4 stars; one submission).

Conditions:
NCAPG2-related disorder. Also called: NCAPG2-related condition.

Allele frequency attached by ClinVar (database versions not stated): 1000 Genomes Project 30x 0.00047; 1000 Genomes Project 0.00060; TOPMed 0.00182; ESP Exome Variant Server 0.00205; gnomAD 0.00215; ExAC 0.00233; gnomAD exomes 0.00282.
gnomAD v4.1: 4,407 of 1,614,196 alleles (0.27%); highest among the groups gnomAD compares: Non-Finnish European, 0.32%; 8 homozygotes.

Submission:

PreventionGenetics, part of Exact Sciences
Classification: Likely benign for NCAPG2-related condition. Last evaluated: 2019-09-26. Review status: no assertion criteria provided. Collection method: clinical testing. Allele origin: germline.
Comment: This variant is classified as likely benign based on ACMG/AMP sequence variant interpretation guidelines (Richards et al. 2015 PMID: 25741868, with internal and published modifications).

NM_017760.7(NCAPG2):c.1390C>T (p.Leu464Phe)

Gene: NCAPG2 (non-SMC condensin II complex subunit G2; minus strand). Cytogenetic location: 7q36.3.
Variant type: single nucleotide variant.
Coding change: c.1390C>T on transcript NM_017760.7 (MANE Select); coding-DNA position 1390, C replaced by T.
Protein change: p.Leu464Phe; replaces leucine 464 with phenylalanine.
Molecular consequence: missense variant. On other transcripts: non-coding transcript variant (1).
Genome position (GRCh38, 1-based): chr7:158,671,603, G>A on the plus strand (C>T on the coding strand, the complement: NCAPG2 is on the minus strand). VCF-style: chr7-158671603-G-A. GRCh37 (hg19) VCF-style: chr7-158464295-G-A.
Other names: c.1390C>T, p.Leu464Phe (NM_001281932.2, NM_001281933.2); short protein forms L464F.
Identifiers: ClinVar variation 3055666 (VCV003055666.2), dbSNP rs61752019, ClinGen allele CA4592859.